The following is an entry in ClinVar:

NM_001005361.3(DNM2):c.919C>G (p.Leu307Val)

Gene: DNM2 (dynamin 2; plus strand). Cytogenetic location: 19p13.2.
Variant type: single nucleotide variant.
Coding change: c.919C>G on transcript NM_001005361.3 (MANE Select); coding-DNA position 919, C replaced by G.
Protein change: p.Leu307Val; replaces leucine 307 with valine.
Molecular consequence: missense variant.
Genome position (GRCh38, 1-based): chr19:10,786,633, C>G. VCF-style: chr19-10786633-C-G. GRCh37 (hg19) VCF-style: chr19-10897309-C-G.
Other names: c.919C>G, p.Leu307Val (NM_001005360.3, NM_001005362.3, NM_001190716.2 and 1 more transcripts); short protein forms L307V.
Identifiers: ClinVar variation 1055437 (VCV001055437.9), dbSNP rs755458594, ClinGen allele CA9200931.
Genomic context (GRCh38, chr19:10,786,633, plus strand): 5'-AACCACATCCGGGAGTCGCTGCCGGCCCTACGTAGCAAACTACAGAGCCAGCTGCTGTCC[C>G]TGGAGAAGGAGGTGGAGGAGTACAAGAACTTTCGGCCCGACGACCCCACCCGCAAAACCA-3'
Protein context (NP_001005361.1, residues 297-317): RSKLQSQLLS[Leu307Val]EKEVEEYKNF

ClinVar aggregate classification (germline): Uncertain significance (1 of 4 stars; one submission).

Conditions:
Charcot-Marie-Tooth disease dominant intermediate B (CMTDIB). Also called: CHARCOT-MARIE-TOOTH NEUROPATHY, DOMINANT INTERMEDIATE B; Charcot-Marie-Tooth disease dominant intermediate 1; CMT DI1; Charcot-Marie-Tooth disease dominant intermediate I. Identifiers: Orphanet 100044, Orphanet 228179, MedGen C1847902, MONDO:0011674, OMIM 606482.

Allele frequency attached by ClinVar (database versions not stated): ExAC 0.00001; gnomAD exomes 0.00001 and 0.00002; TOPMed 0.00001.
gnomAD v4.1: 6 of 1,614,186 alleles (0.00037%); highest among the groups gnomAD compares: South Asian, 0.0044%; no homozygotes.

Submission:

Labcorp Genetics (formerly Invitae), Labcorp
Classification: Uncertain significance for Charcot-Marie-Tooth disease dominant intermediate B. Last evaluated: 2025-09-02. Review status: criteria provided, single submitter. Criteria: Invitae Variant Classification Sherloc (09022015). Collection method: clinical testing. Allele origin: germline.
Comment: This sequence change replaces leucine, which is neutral and non-polar, with valine, which is neutral and non-polar, at codon 307 of the DNM2 protein (p.Leu307Val). This variant is present in population databases (rs755458594, gnomAD 0.009%). This variant has not been reported in the literature in individuals affected with DNM2-related conditions. ClinVar contains an entry for this variant (Variation ID: 1055437). Invitae Evidence Modeling of protein sequence and biophysical properties (such as structural, functional, and spatial information, amino acid conservation, physicochemical variation, residue mobility, and thermodynamic stability) has been performed for this missense variant. However, the output from this modeling did not meet the statistical confidence thresholds required to predict the impact of this variant on DNM2 protein function. In summary, the available evidence is currently insufficient to determine the role of this variant in disease. Therefore, it has been classified as a Variant of Uncertain Significance.